The following is an entry in ClinVar:

NM_002296.4(LBR):c.247C>T (p.Arg83Cys)

Gene: LBR (lamin B receptor; minus strand). Cytogenetic location: 1q42.12.
Variant type: single nucleotide variant.
Coding change: c.247C>T on transcript NM_002296.4 (MANE Select); coding-DNA position 247, C replaced by T.
Protein change: p.Arg83Cys; replaces arginine 83 with cysteine.
Molecular consequence: missense variant.
Genome position (GRCh38, 1-based): chr1:225,422,196, G>A on the plus strand (C>T on the coding strand, the complement: LBR is on the minus strand). VCF-style: chr1-225422196-G-A. GRCh37 (hg19) VCF-style: chr1-225609898-G-A.
Other names: c.247C>T, p.Arg83Cys (NM_194442.3); c.247C>T (NM_002296.3); short protein forms R83C.
Identifiers: ClinVar variation 3009810 (VCV003009810.4), dbSNP rs745448849, ClinGen allele CA1417530.

ClinVar aggregate classification (germline): Uncertain significance. Review status: criteria provided, multiple submitters, no conflicts (2 of 4 stars). 2 submissions from 2 submitters: Uncertain significance (2). Last evaluated 2025-10-15.

Conditions:
Inborn genetic diseases. Identifiers: MedGen C0950123, MeSH D030342.

Allele frequency attached by ClinVar (database versions not stated): gnomAD 0.00002; TOPMed 0.00002; ExAC 0.00002.

Submissions (2):

Ambry Genetics
Classification: Uncertain significance for Inborn genetic diseases. Last evaluated: 2025-10-15. Review status: criteria provided, single submitter. Criteria: Ambry Variant Classification Scheme 2023. Collection method: clinical testing. Allele origin: germline.

Labcorp Genetics (formerly Invitae), Labcorp
Classification: Uncertain significance. Last evaluated: 2025-08-15. Review status: criteria provided, single submitter. Criteria: Invitae Variant Classification Sherloc (09022015). Collection method: clinical testing. Allele origin: germline.
Comment: This sequence change replaces arginine, which is basic and polar, with cysteine, which is neutral and slightly polar, at codon 83 of the LBR protein (p.Arg83Cys). This variant is present in population databases (rs745448849, gnomAD 0.02%). This variant has not been reported in the literature in individuals affected with LBR-related conditions. ClinVar contains an entry for this variant (Variation ID: 3009810). Invitae Evidence Modeling of protein sequence and biophysical properties (such as structural, functional, and spatial information, amino acid conservation, physicochemical variation, residue mobility, and thermodynamic stability) indicates that this missense variant is expected to disrupt LBR protein function with a positive predictive value of 95%. In summary, the available evidence is currently insufficient to determine the role of this variant in disease. Therefore, it has been classified as a Variant of Uncertain Significance.